The following is an entry in ClinVar:

NM_001267550.2(TTN):c.51668G>A (p.Arg17223Gln)

Genes: TTN (titin; minus strand), TTN-AS1 (TTN antisense RNA 1; plus strand). Cytogenetic location: 2q31.2.
Variant type: single nucleotide variant.
Coding change: c.51668G>A on transcript NM_001267550.2 (MANE Select); coding-DNA position 51668, G replaced by A.
Protein change: p.Arg17223Gln; replaces arginine 17223 with glutamine.
Molecular consequence: missense variant.
Genome position (GRCh38, 1-based): chr2:178,609,755, C>T on the plus strand (G>A on the coding strand, the complement: TTN is on the minus strand). VCF-style: chr2-178609755-C-T. GRCh37 (hg19) VCF-style: chr2-179474482-C-T.
Other names: c.43964G>A, p.Arg14655Gln (NM_133378.4); c.46745G>A, p.Arg15582Gln (NM_001256850.1); c.24473G>A, p.Arg8158Gln (NM_003319.4); c.24848G>A, p.Arg8283Gln (NM_133432.3); c.25049G>A, p.Arg8350Gln (NM_133437.4); short protein forms R14655Q, R17223Q, R8158Q, R8283Q, R15582Q, R8350Q.
Identifiers: ClinVar variation 229453 (VCV000229453.58), dbSNP rs142395261, ClinGen allele CA1994148.

ClinVar aggregate classification (germline): Conflicting classifications of pathogenicity. Review status: criteria provided, conflicting classifications (1 of 4 stars). 10 submissions from 10 submitters: Uncertain significance (5); Likely benign (3). 2 of the submissions do not count toward it. Last evaluated 2026-03-27.

Conditions:
TTN-related disorder. Also called: TTN-related condition; TTN-related disease; TTN-related disorders.
Cardiovascular phenotype. Identifiers: MedGen CN230736.
Autosomal recessive limb-girdle muscular dystrophy type 2J (LGMDR10). Also called: Limb-girdle muscular dystrophy, type 2J; MUSCULAR DYSTROPHY, LIMB-GIRDLE, AUTOSOMAL RECESSIVE 10. Identifiers: Orphanet 140922, MedGen C1837342, MONDO:0012127, OMIM 608807.
Dilated cardiomyopathy 1G (CMD1G). Identifiers: Orphanet 154, MedGen C1858763, MONDO:0011400, OMIM 604145.

Allele frequency attached by ClinVar (database versions not stated): gnomAD exomes 0.00001 and 0.00002; ExAC 0.00002; ESP Exome Variant Server 0.00008; gnomAD 0.00009; TOPMed 0.00012; 1000 Genomes Project 30x 0.00016; 1000 Genomes Project 0.00020.
gnomAD v4.1: 29 of 1,612,656 alleles (0.0018%); highest among the groups gnomAD compares: African/African-American, 0.023%; no homozygotes.

Submissions (10):

Molecular Diagnostic Laboratory for Inherited Cardiovascular Disease, Montreal Heart Institute
Classification: Likely benign. Last evaluated: 2026-03-27. Review status: criteria provided, single submitter. Criteria: ACMG Guidelines, 2015. Collection method: clinical testing. Allele origin: germline. Affected: no.
Comment: BS1;BP1

PreventionGenetics, part of Exact Sciences
Classification: Uncertain significance for TTN-related condition. Last evaluated: 2025-07-08. Review status: criteria provided, single submitter. Criteria: ACMG Guidelines, 2015. Collection method: clinical testing. Allele origin: germline.
Comment: The TTN c.51668G>A variant is predicted to result in the amino acid substitution p.Arg17223Gln. This variant has been reported in an individual with left ventricular noncompaction cardiomyopathy (Table S2, Mazzarotto et al. 2021. PubMed ID: 33500567). This variant is reported in 0.017% of alleles in individuals of African descent in gnomAD. At this time, the clinical significance of this variant is uncertain due to the absence of conclusive functional and genetic evidence.

CeGaT Center for Human Genetics Tuebingen
Classification: Uncertain significance. Last evaluated: 2024-08-01. Review status: criteria provided, single submitter. Criteria: CeGaT Center For Human Genetics Tuebingen Variant Classification Criteria Version 2. Collection method: clinical testing. Allele origin: germline. Affected: yes. Observed: 2 variant alleles.
Comment: TTN: PM2, BP4

Blueprint Genetics
Classification: Likely benign. Last evaluated: 2023-04-04. Review status: criteria provided, single submitter. Criteria: ACMG Guidelines, 2015. Collection method: clinical testing. Allele origin: germline.

GeneDx
Classification: Likely benign. Last evaluated: 2021-02-24. Review status: criteria provided, single submitter. Criteria: GeneDx Variant Classification Process June 2021. Collection method: clinical testing. Allele origin: germline. Affected: yes.

Ambry Genetics
Classification: Uncertain significance for Cardiovascular phenotype. Last evaluated: 2019-09-30. Review status: criteria provided, single submitter. Criteria: Ambry Variant Classification Scheme 2023. Collection method: clinical testing. Allele origin: germline.
Comment: The p.R8158Q variant (also known as c.24473G>A), located in coding exon 99 of the TTN gene, results from a G to A substitution at nucleotide position 24473. The arginine at codon 8158 is replaced by glutamine, an amino acid with highly similar properties. This amino acid position is well conserved in available vertebrate species. In addition, this alteration is predicted to be tolerated by in silico analysis. Since supporting evidence is limited at this time, the clinical significance of this alteration remains unclear.

Labcorp Genetics (formerly Invitae), Labcorp
Classification: Uncertain significance for Dilated cardiomyopathy 1G; Autosomal recessive limb-girdle muscular dystrophy type 2J. Last evaluated: 2016-05-20. Review status: criteria provided, single submitter. Criteria: Invitae Variant Classification Sherloc (09022015). Collection method: clinical testing. Allele origin: germline.

Laboratory for Molecular Medicine, Mass General Brigham Personalized Medicine
Classification: Uncertain significance. Last evaluated: 2015-01-28. Review status: criteria provided, single submitter. Criteria: LMM Criteria. Collection method: clinical testing. Allele origin: germline. Observed: 1 variant allele.
Comment: The p.Arg14655Gln variant in TTN has not been previously reported in individuals with cardiomyopathy, but has been identified in 2/9966 African chromosomes by t he Exome Aggregation Consortium (ExAC; dbSNP rs1 42395261). Computational prediction tools and conservation analysis do not provi de strong support for or against an impact to the protein. In summary, the clini cal significance of the p.Arg14655Gln variant is uncertain.

Genome Diagnostics Laboratory, Amsterdam University Medical Center
Classification: Uncertain significance. Review status: no assertion criteria provided. Collection method: clinical testing. Allele origin: germline. Affected: yes. Study: VKGL Data-share Consensus. Not counted in ClinVar's aggregate classification.

Joint Genome Diagnostic Labs from Nijmegen and Maastricht, Radboudumc and MUMC+
Classification: Uncertain significance. Review status: no assertion criteria provided. Collection method: clinical testing. Allele origin: germline. Affected: yes. Study: VKGL Data-share Consensus. Not counted in ClinVar's aggregate classification.